The following is an entry in ClinVar:

NM_020750.3(XPO5):c.3514A>G (p.Ile1172Val)

Genes: POLR1C (RNA polymerase I and III subunit C; plus strand), XPO5 (exportin 5; minus strand). Cytogenetic location: 6p21.1.
Variant type: single nucleotide variant.
Coding change: c.3514A>G on transcript NM_020750.3 (MANE Select); coding-DNA position 3514, A replaced by G.
Protein change: p.Ile1172Val; replaces isoleucine 1172 with valine.
Molecular consequence: missense variant. On other transcripts: non-coding transcript variant (1), intron variant (2).
Genome position (GRCh38, 1-based): chr6:43,523,969, T>C on the plus strand (A>G on the coding strand, the complement: XPO5 is on the minus strand). VCF-style: chr6-43523969-T-C. GRCh37 (hg19) VCF-style: chr6-43491707-T-C.
Other names: c.922+2921T>C (NM_001363658.2, NM_001318876.2); short protein forms I1172V.
Identifiers: ClinVar variation 2813218 (VCV002813218.3), dbSNP rs1793367068, ClinGen allele CA364287251.

ClinVar aggregate classification (germline): Uncertain significance (1 of 4 stars; one submission).

Submission:

Labcorp Genetics (formerly Invitae), Labcorp
Classification: Uncertain significance. Last evaluated: 2022-12-02. Review status: criteria provided, single submitter. Criteria: Invitae Variant Classification Sherloc (09022015). Collection method: clinical testing. Allele origin: germline.
Comment: In summary, the available evidence is currently insufficient to determine the role of this variant in disease. Therefore, it has been classified as a Variant of Uncertain Significance. Algorithms developed to predict the effect of missense changes on protein structure and function (SIFT, PolyPhen-2, Align-GVGD) all suggest that this variant is likely to be tolerated. This variant has not been reported in the literature in individuals affected with XPO5-related conditions. This variant is not present in population databases (gnomAD no frequency). This sequence change replaces isoleucine, which is neutral and non-polar, with valine, which is neutral and non-polar, at codon 1172 of the XPO5 protein (p.Ile1172Val).